The following is an entry in ClinVar:

ClinVar aggregate classification (germline): Uncertain significance (1 of 4 stars; one submission).

Submission:

Dasa
Classification: Uncertain significance. Last evaluated: 2025-02-08. Review status: criteria provided, single submitter. Criteria: DASA Assertion Criteria. Collection method: clinical testing. Allele origin: germline.
Comment: NM_001482.3(GATM):c.46G>A (p.Ala16Thr) is a missense variant that results in the substitution of alanine with threonine. This variant is rare in population databases. Computational prediction algorithms are consistent with a benign effect. The currently available literature and clinical evidence are not sufficient to establish a definitive association between this variant and the reported condition. Therefore, this variant is classified as a variant of uncertain significance.

NM_001482.3(GATM):c.46G>A (p.Ala16Thr)

Genes: GATM (glycine amidinotransferase; minus strand), LOC130056991 (ATAC-STARR-seq lymphoblastoid silent region 6406; plus strand). Cytogenetic location: 15q21.1.
Variant type: single nucleotide variant.
Coding change: c.46G>A on transcript NM_001482.3 (MANE Select); coding-DNA position 46, G replaced by A.
Protein change: p.Ala16Thr; replaces alanine 16 with threonine.
Molecular consequence: missense variant. On other transcripts: intron variant (1).
Genome position (GRCh38, 1-based): chr15:45,378,408, C>T on the plus strand (G>A on the coding strand, the complement: GATM is on the minus strand). VCF-style: chr15-45378408-C-T. GRCh37 (hg19) VCF-style: chr15-45670606-C-T.
Other names: c.-318-1589G>A (NM_001321015.2); short protein forms A16T.
Identifiers: ClinVar variation 4883149 (VCV004883149.2).
Genomic context (GRCh38, chr15:45,378,408, plus strand): 5'-TCACGCGGCCGCCAGACGAGGCCGGTGGCGCACGCACCCGAGATCCGATGTAGTGCACCG[C>T]CTCGGCGCCGCGGCTCCCGCCGCGCAGACACCGCACCCGCAGCATCGCCCTGGCCCGGCT-3'
Protein context (NP_001473.1, residues 6-26): CLRGGSRGAE[Ala16Thr]VHYIGSRLGR